The following is an entry in ClinVar:

NM_017950.4(CCDC40):c.1052G>A (p.Arg351His)

Gene: CCDC40 (coiled-coil domain 40 molecular ruler complex subunit; plus strand). Cytogenetic location: 17q25.3.
Variant type: single nucleotide variant.
Coding change: c.1052G>A on transcript NM_017950.4 (MANE Select); coding-DNA position 1052, G replaced by A.
Protein change: p.Arg351His; replaces arginine 351 with histidine.
Molecular consequence: missense variant.
Genome position (GRCh38, 1-based): chr17:80,050,176, G>A. VCF-style: chr17-80050176-G-A. GRCh37 (hg19) VCF-style: chr17-78023975-G-A.
Other names: c.1052G>A, p.Arg351His (NM_001243342.2, NM_001330508.2); short protein forms R351H.
Identifiers: ClinVar variation 3636738 (VCV003636738.2).

ClinVar aggregate classification (germline): Uncertain significance (1 of 4 stars; one submission).

Conditions:
Primary ciliary dyskinesia. Also called: Ciliary dyskinesia. Identifiers: Orphanet 244, MedGen C0008780, MONDO:0016575, HP:0012265.

gnomAD v4.1: 31 of 1,613,072 alleles (0.0019%); highest among the groups gnomAD compares: Middle Eastern, 0.017%; no homozygotes.

Submission:

Labcorp Genetics (formerly Invitae), Labcorp
Classification: Uncertain significance for Primary ciliary dyskinesia. Last evaluated: 2024-06-10. Review status: criteria provided, single submitter. Criteria: Invitae Variant Classification Sherloc (09022015). Collection method: clinical testing. Allele origin: germline.
Comment: This sequence change replaces arginine, which is basic and polar, with histidine, which is basic and polar, at codon 351 of the CCDC40 protein (p.Arg351His). This variant is present in population databases (rs61736668, gnomAD 0.02%). This variant has not been reported in the literature in individuals affected with CCDC40-related conditions. Advanced modeling of protein sequence and biophysical properties (such as structural, functional, and spatial information, amino acid conservation, physicochemical variation, residue mobility, and thermodynamic stability) performed at Invitae indicates that this missense variant is not expected to disrupt CCDC40 protein function with a negative predictive value of 80%. In summary, the available evidence is currently insufficient to determine the role of this variant in disease. Therefore, it has been classified as a Variant of Uncertain Significance.